The following is an entry in ClinVar:

NC_000016.9:g.(?_66575762)_(66575876_?)del

Gene: TK2 (thymidine kinase 2; minus strand). Cytogenetic location: 16q21.
Variant type: Deletion.
Identifiers: ClinVar variation 2425184 (VCV002425184.4).

ClinVar aggregate classification (germline): Pathogenic (1 of 4 stars; one submission).

Submission:

Labcorp Genetics (formerly Invitae), Labcorp
Classification: Pathogenic. Last evaluated: 2023-03-04. Review status: criteria provided, single submitter. Criteria: Invitae Variant Classification Sherloc (09022015). Collection method: clinical testing. Allele origin: germline.
Comment: For these reasons, this variant has been classified as Pathogenic. This variant disrupts a region of the TK2 protein in which other variant(s) (p.Asn58Ser) have been determined to be pathogenic (PMID: 18508266, 29735374). This suggests that this is a clinically significant region of the protein, and that variants that disrupt it are likely to be disease-causing. This variant has not been reported in the literature in individuals affected with TK2-related conditions. This variant is a gross deletion of the genomic region encompassing exon(s) 3 of the TK2 gene. This variant would be expected to be in-frame, preserving the integrity of the reading frame.

Literature cited by the submitters: PubMed 18508266; PubMed 29735374.